The following is an entry in ClinVar:

NM_020975.6(RET):c.602G>C (p.Ser201Thr)

Gene: RET (ret proto-oncogene; plus strand). Cytogenetic location: 10q11.21.
Variant type: single nucleotide variant.
Coding change: c.602G>C on transcript NM_020975.6 (MANE Select); coding-DNA position 602, G replaced by C.
Protein change: p.Ser201Thr; replaces serine 201 with threonine.
Molecular consequence: missense variant.
Genome position (GRCh38, 1-based): chr10:43,102,606, G>C. VCF-style: chr10-43102606-G-C. GRCh37 (hg19) VCF-style: chr10-43598054-G-C.
Other names: c.602G>C, p.Ser201Thr (NM_000323.2, NM_001406743.1, NM_001406744.1 and 16 more transcripts); c.473G>C, p.Ser158Thr (NM_001406761.1, NM_001406762.1, NM_001406764.1 and 4 more transcripts); short protein forms S201T, S158T.
Identifiers: ClinVar variation 560871 (VCV000560871.19), dbSNP rs898525501, ClinGen allele CA206256179.

ClinVar aggregate classification (germline): Conflicting classifications of pathogenicity. Review status: criteria provided, conflicting classifications (1 of 4 stars). 8 submissions from 8 submitters: Uncertain significance (7); Likely benign (1). Last evaluated 2025-09-29.

Conditions:
Hirschsprung disease, susceptibility to, 1 (HSCR1). Also called: RET-Related Hirschsprung Disease. Identifiers: Orphanet 388, MedGen C3888239, MONDO:0007723, OMIM 142623.
Pheochromocytoma. Also called: MAX-Related Hereditary Paraganglioma-Pheochromocytoma Syndrome. Identifiers: Orphanet 29072, MedGen C0031511, MONDO:0008233, OMIM 171300, HP:0002666.
Familial medullary thyroid carcinoma (MTC). Also called: Thyroid cancer, familial medullary; MTC, familial; Familial Medullary Thyroid Carcinoma (FMTC). Identifiers: Orphanet 653, Orphanet 99361, MedGen C1833921, MONDO:0007958, OMIM 155240.
Multiple endocrine neoplasia type 2B. Also called: Multiple endocrine neoplasia, type 3; MULTIPLE ENDOCRINE NEOPLASIA, TYPE IIB; MUCOSAL NEUROMA SYNDROME; MEN 2B; Multiple Endocrine Neoplasia Type 2B (MEN2B); MEN IIB. Identifiers: Orphanet 247709, Orphanet 653, MedGen C0025269, MeSH D018814, MONDO:0008082, OMIM 162300.
Multiple endocrine neoplasia type 2A. Also called: MULTIPLE ENDOCRINE NEOPLASIA, TYPE IIA; PTC SYNDROME; SIPPLE SYNDROME; MEN 2A; MEN-2A syndrome; Pheochromocytoma and amyloid producing medullary thyroid carcinoma. Identifiers: Orphanet 247698, Orphanet 653, MedGen C0025268, MeSH D018813, MONDO:0008234, OMIM 171400.
Hereditary cancer-predisposing syndrome. Also called: Neoplastic Syndromes, Hereditary; Hereditary Cancer Syndrome; Tumor predisposition; Hereditary neoplastic syndrome. Identifiers: Orphanet 140162, MedGen C0027672, MeSH D009386, MONDO:0015356.
Multiple endocrine neoplasia, type 2 (MEN2). Identifiers: Orphanet 653, MedGen C4048306, MONDO:0019003. Disease mechanism: gain of function.

Allele frequency attached by ClinVar (database versions not stated): gnomAD 0.00001; gnomAD exomes 0.00002.
gnomAD v4.1: 34 of 1,614,020 alleles (0.0021%); highest among the groups gnomAD compares: Non-Finnish European, 0.0025%; no homozygotes.

Submissions (8):

Color Diagnostics, LLC DBA Color Health
Classification: Uncertain significance for Multiple endocrine neoplasia, type 2. Last evaluated: 2025-09-29. Review status: criteria provided, single submitter. Criteria: ACMG Guidelines, 2015. Collection method: clinical testing. Allele origin: germline.
Comment: This missense variant replaces serine with threonine at codon 201 of the RET protein. Computational prediction suggests that this variant may not impact protein structure and function. To our knowledge, functional studies have not been reported for this variant. This variant has not been reported in individuals affected with RET-related disorders in the literature. This variant has been identified in 1/31394 chromosomes in the general population by the Genome Aggregation Database (gnomAD). The available evidence is insufficient to determine the role of this variant in disease conclusively. Therefore, this variant is classified as a Variant of Uncertain Significance.

Labcorp Genetics (formerly Invitae), Labcorp
Classification: Uncertain significance for Multiple endocrine neoplasia, type 2. Last evaluated: 2025-06-11. Review status: criteria provided, single submitter. Criteria: Invitae Variant Classification Sherloc (09022015). Collection method: clinical testing. Allele origin: germline.
Comment: This sequence change replaces serine, which is neutral and polar, with threonine, which is neutral and polar, at codon 201 of the RET protein (p.Ser201Thr). This variant is present in population databases (no rsID available, gnomAD 0.06%). This variant has not been reported in the literature in individuals affected with RET-related conditions. ClinVar contains an entry for this variant (Variation ID: 560871). An algorithm developed to predict the effect of missense changes on protein structure and function (PolyPhen-2) suggests that this variant is likely to be tolerated. In summary, the available evidence is currently insufficient to determine the role of this variant in disease. Therefore, it has been classified as a Variant of Uncertain Significance.

All of Us Research Program, National Institutes of Health
Classification: Uncertain significance for Multiple endocrine neoplasia, type 2. Last evaluated: 2024-04-10. Review status: criteria provided, single submitter. Criteria: ACMG Guidelines, 2015. Collection method: clinical testing. Allele origin: germline. Inheritance: Autosomal dominant inheritance. Observed: 2 variant alleles, 2 heterozygotes.
Comment: This missense variant replaces serine with threonine at codon 201 of the RET protein. Computational prediction suggests that this variant may not impact protein structure and function (internally defined REVEL score threshold <= 0.5, PMID: 27666373). To our knowledge, functional studies have not been reported for this variant. This variant has not been reported in individuals affected with RET-related disorders in the literature. This variant has been identified in 1/31394 chromosomes in the general population by the Genome Aggregation Database (gnomAD). The available evidence is insufficient to determine the role of this variant in disease conclusively. Therefore, this variant is classified as a Variant of Uncertain Significance.

This study involves interpretation of variants in research participants for the purpose of population health screening. Participant phenotype was not available at the time of variant classification. Additional details can be found in publication PMID: 35346344, PMCID: PMC8962531

Ambry Genetics
Classification: Likely benign for Hereditary cancer-predisposing syndrome. Last evaluated: 2023-12-18. Review status: criteria provided, single submitter. Criteria: Ambry Variant Classification Scheme 2023. Collection method: clinical testing. Allele origin: germline.

GeneDx
Classification: Uncertain significance. Last evaluated: 2023-12-01. Review status: criteria provided, single submitter. Criteria: GeneDx Variant Classification Process June 2021. Collection method: clinical testing. Allele origin: germline. Affected: yes.
Comment: Not observed at significant frequency in large population cohorts (gnomAD); In silico analysis supports that this missense variant does not alter protein structure/function; Has not been previously published as pathogenic or benign to our knowledge; This variant is associated with the following publications: (PMID: 14633923)

Baylor Genetics
Classification: Uncertain significance for Hirschsprung disease, susceptibility to, 1. Last evaluated: 2023-09-06. Review status: criteria provided, single submitter. Criteria: ACMG Guidelines, 2015. Collection method: clinical testing. Allele origin: unknown.

Fulgent Genetics
Classification: Uncertain significance for Hirschsprung disease, susceptibility to, 1; Familial medullary thyroid carcinoma; Multiple endocrine neoplasia type 2B; Pheochromocytoma; Multiple endocrine neoplasia type 2A. Last evaluated: 2021-10-11. Review status: criteria provided, single submitter. Criteria: ACMG Guidelines, 2015. Collection method: clinical testing. Allele origin: unknown.

PreventionGenetics, part of Exact Sciences
Classification: Uncertain significance. Last evaluated: 2017-07-31. Review status: criteria provided, single submitter. Criteria: ACMG Guidelines, 2015. Collection method: clinical testing. Allele origin: germline.